The following is an entry in ClinVar:

ClinVar aggregate classification (germline): Pathogenic/Likely pathogenic. Review status: criteria provided, multiple submitters, no conflicts (2 of 4 stars). 3 submissions from 3 submitters: Pathogenic (1); Likely pathogenic (2). Last evaluated 2026-07-01.

Conditions:
Glycogen storage disease, type II (IOPD). Also called: CARDIOMEGALIA GLYCOGENICA DIFFUSA; GLYCOGENOSIS, GENERALIZED, CARDIAC FORM; GSD II; Glycogen storage disease type 2; Acid maltase deficiency disease; Aglucosidase alfa. Identifiers: Orphanet 365, MedGen C0017921, MONDO:0009290, OMIM 232300.

Submissions (3):

Genomenon, Inc
Classification: Likely pathogenic for Glycogen storage disease, type II. Last evaluated: 2026-07-01. Review status: criteria provided, single submitter. Criteria: Genomenon Sequence Variant Interpretation Standards - Updated. Collection method: curation. Allele origin: germline. Affected: yes.
Comment: GAA p.Gln914ProfsTer30 (c.2741delinsCAG) is a frameshift variant that is predicted to introduce a premature termination codon and result in a truncated or absent protein product. This variant has been observed in at least one proband with a GAA-related disorder in the compound heterozygous and/or homozygous state (PMID:30049495;22676651;38584574;31193175;9521422). It is absent or not present at a significant frequency in gnomAD. In conclusion, we classify GAA p.Gln914ProfsTer30 (c.2741delinsCAG) as a likely pathogenic variant.

Labcorp Genetics (formerly Invitae), Labcorp
Classification: Pathogenic for Glycogen storage disease, type II. Last evaluated: 2025-08-24. Review status: criteria provided, single submitter. Criteria: Invitae Variant Classification Sherloc (09022015). Collection method: clinical testing. Allele origin: germline.
Comment: This sequence change creates a premature translational stop signal (p.Gln914Profs*30) in the GAA gene. While this is not anticipated to result in nonsense mediated decay, it is expected to disrupt the last 39 amino acid(s) of the GAA protein. Information on the frequency of this variant in the gnomAD database is not available, as this variant may be reported differently in the database. This premature translational stop signal has been observed in individual(s) with Pompe disease (PMID: 22252923, 31193175). Algorithms developed to predict the effect of sequence changes on RNA splicing suggest that this variant may disrupt the consensus splice site. This variant disrupts a region of the GAA protein in which other variant(s) (p.Tyr928Cys) have been determined to be pathogenic (PMID: 22252923, 29122469, 31606152, 33301762, 33741225). This suggests that this is a clinically significant region of the protein, and that variants that disrupt it are likely to be disease-causing. For these reasons, this variant has been classified as Pathogenic.

Baylor Genetics
Classification: Likely pathogenic for Glycogen storage disease, type II. Last evaluated: 2024-02-04. Review status: criteria provided, single submitter. Criteria: ACMG Guidelines, 2015. Collection method: clinical testing. Allele origin: unknown.

Literature cited by the submitters: PubMed 30049495 (cited by Genomenon, Inc); PubMed 22676651 (cited by Genomenon, Inc); PubMed 38584574 (cited by Genomenon, Inc); PubMed 31193175 (cited by Genomenon, Inc and Labcorp Genetics (formerly Invitae), Labcorp); PubMed 9521422 (cited by Genomenon, Inc); PubMed 22252923 (cited by Labcorp Genetics (formerly Invitae), Labcorp); PubMed 29122469 (cited by Labcorp Genetics (formerly Invitae), Labcorp); PubMed 31606152 (cited by Labcorp Genetics (formerly Invitae), Labcorp); PubMed 33301762 (cited by Labcorp Genetics (formerly Invitae), Labcorp); PubMed 33741225 (cited by Labcorp Genetics (formerly Invitae), Labcorp).

NM_000152.5(GAA):c.2741delinsCAG (p.Gln914fs)

Gene: GAA (alpha glucosidase; plus strand). Cytogenetic location: 17q25.3.
Variant type: Indel.
Coding change: c.2741delinsCAG on transcript NM_000152.5 (MANE Select); coding-DNA position 2741, A replaced by CAG.
Protein change: p.Gln914fs; shifts the reading frame from glutamine 914.
Molecular consequence: frameshift variant.
Genome position (GRCh38, 1-based): chr17:80,118,747, A replaced by CAG. VCF-style: chr17-80118747-A-CAG. GRCh37 (hg19) VCF-style: chr17-78092546-A-CAG.
Other names: c.2741delinsCAG, p.Gln914fs (NM_001079803.3, NM_001079804.3, NM_001406741.1 and 1 more transcripts); short protein forms Q914fs.
Identifiers: ClinVar variation 2880685 (VCV002880685.5), dbSNP rs2510404705, ClinGen allele CA2695227096.